The following is an entry in ClinVar:

NM_198253.3(TERT):c.1853C>G (p.Thr618Arg)

Gene: TERT (telomerase reverse transcriptase; minus strand). Cytogenetic location: 5p15.33.
Variant type: single nucleotide variant.
Coding change: c.1853C>G on transcript NM_198253.3 (MANE Select); coding-DNA position 1853, C replaced by G.
Protein change: p.Thr618Arg; replaces threonine 618 with arginine.
Molecular consequence: missense variant. On other transcripts: non-coding transcript variant (2).
Genome position (GRCh38, 1-based): chr5:1,280,255, G>C on the plus strand (C>G on the coding strand, the complement: TERT is on the minus strand). VCF-style: chr5-1280255-G-C. GRCh37 (hg19) VCF-style: chr5-1280370-G-C.
Other names: c.1853C>G, p.Thr618Arg (NM_001193376.3, NM_003219.1); short protein forms T618R.
Identifiers: ClinVar variation 2197077 (VCV002197077.4), dbSNP rs746434205, ClinGen allele CA359081750.

ClinVar aggregate classification (germline): Uncertain significance (1 of 4 stars; one submission).

Conditions:
Dyskeratosis congenita, autosomal dominant 2. Identifiers: MedGen C3151443, MONDO:0013521, OMIM 613989.
Idiopathic Pulmonary Fibrosis. Also called: Idiopathic fibrosing alveolitis, chronic form; idiopathic fibrosing alveolitis. Identifiers: Orphanet 2032, MedGen C1800706, MeSH D054990, MONDO:0800504.

Submission:

Labcorp Genetics (formerly Invitae), Labcorp
Classification: Uncertain significance for Dyskeratosis congenita, autosomal dominant 2; Idiopathic Pulmonary Fibrosis. Last evaluated: 2022-08-16. Review status: criteria provided, single submitter. Criteria: Invitae Variant Classification Sherloc (09022015). Collection method: clinical testing. Allele origin: germline.
Comment: In summary, the available evidence is currently insufficient to determine the role of this variant in disease. Therefore, it has been classified as a Variant of Uncertain Significance. Algorithms developed to predict the effect of missense changes on protein structure and function are either unavailable or do not agree on the potential impact of this missense change (SIFT: "Deleterious"; PolyPhen-2: "Benign"; Align-GVGD: "Class C0"). This variant has not been reported in the literature in individuals affected with TERT-related conditions. This variant is not present in population databases (gnomAD no frequency). This sequence change replaces threonine, which is neutral and polar, with arginine, which is basic and polar, at codon 618 of the TERT protein (p.Thr618Arg).